The following is an entry in ClinVar:

ClinVar aggregate classification (germline): Uncertain significance (1 of 4 stars; one submission).

Conditions:
Dilated cardiomyopathy 1DD (CMD1DD). Identifiers: Orphanet 154, MedGen C2750995, MONDO:0013168, OMIM 613172.

Submission:

Labcorp Genetics (formerly Invitae), Labcorp
Classification: Uncertain significance for Dilated cardiomyopathy 1DD. Last evaluated: 2025-09-02. Review status: criteria provided, single submitter. Criteria: Invitae Variant Classification Sherloc (09022015). Collection method: clinical testing. Allele origin: germline.
Comment: This sequence change replaces proline, which is neutral and non-polar, with threonine, which is neutral and polar, at codon 815 of the RBM20 protein (p.Pro815Thr). This variant is not present in population databases (gnomAD no frequency). This variant has not been reported in the literature in individuals affected with RBM20-related conditions. Invitae Evidence Modeling of protein sequence and biophysical properties (such as structural, functional, and spatial information, amino acid conservation, physicochemical variation, residue mobility, and thermodynamic stability) indicates that this missense variant is not expected to disrupt RBM20 protein function with a negative predictive value of 95%. In summary, the available evidence is currently insufficient to determine the role of this variant in disease. Therefore, it has been classified as a Variant of Uncertain Significance.

NM_001134363.3(RBM20):c.2443C>A (p.Pro815Thr)

Gene: RBM20 (RNA binding motif protein 20; plus strand). Cytogenetic location: 10q25.2.
Variant type: single nucleotide variant.
Coding change: c.2443C>A on transcript NM_001134363.3 (MANE Select); coding-DNA position 2443, C replaced by A.
Protein change: p.Pro815Thr; replaces proline 815 with threonine.
Molecular consequence: missense variant.
Genome position (GRCh38, 1-based): chr10:110,812,840, C>A. VCF-style: chr10-110812840-C-A. GRCh37 (hg19) VCF-style: chr10-112572598-C-A.
Other names: short protein forms P815T.
Identifiers: ClinVar variation 4749471 (VCV004749471.1).